The following is an entry in ClinVar:

ClinVar aggregate classification (germline): Likely benign. Review status: criteria provided, multiple submitters, no conflicts (2 of 4 stars). 2 submissions from 2 submitters: Likely benign (2). Last evaluated 2025-04-01.

Allele frequency attached by ClinVar (database versions not stated): gnomAD exomes below 0.00001; TOPMed below 0.00001; gnomAD 0.00001.
gnomAD v4.1: 4 of 1,613,946 alleles (0.00025%); highest among the groups gnomAD compares: Non-Finnish European, 0.00034%; no homozygotes.

Submissions (2):

CeGaT Center for Human Genetics Tuebingen
Classification: Likely benign. Last evaluated: 2025-04-01. Review status: criteria provided, single submitter. Criteria: CeGaT Center For Human Genetics Tuebingen Variant Classification Criteria Version 2. Collection method: clinical testing. Allele origin: germline. Affected: yes. Observed: 1 variant allele.
Comment: LPIN1: BP4, BP7

Labcorp Genetics (formerly Invitae), Labcorp
Classification: Likely benign. Last evaluated: 2024-03-07. Review status: criteria provided, single submitter. Criteria: Invitae Variant Classification Sherloc (09022015). Collection method: clinical testing. Allele origin: germline.

NM_001349206.2(LPIN1):c.1842C>G (p.Ala614=)

Gene: LPIN1 (lipin 1; plus strand). Cytogenetic location: 2p25.1.
Variant type: single nucleotide variant.
Coding change: c.1842C>G on transcript NM_001349206.2 (MANE Select); coding-DNA position 1842, C replaced by G.
Protein change: p.Ala614=; no amino-acid change (alanine 614 retained).
Molecular consequence: synonymous variant. On other transcripts: non-coding transcript variant (1).
Genome position (GRCh38, 1-based): chr2:11,795,443, C>G. VCF-style: chr2-11795443-C-G. GRCh37 (hg19) VCF-style: chr2-11935569-C-G.
Other names: c.1752C>G, p.Ala584= (NM_001261427.3); c.1989C>G, p.Ala663= (NM_001261428.3); c.1734C>G, p.Ala578= (NM_001349199.2, NM_145693.4); c.1812C>G, p.Ala604= (NM_001349200.2, NM_001349201.2); c.1839C>G, p.Ala613= (NM_001349202.2, NM_001349203.2); c.1842C>G, p.Ala614= (NM_001349204.2, NM_001349205.2); c.1932C>G, p.Ala644= (NM_001349207.2); c.1881C>G, p.Ala627= (NM_001349208.2).
Identifiers: ClinVar variation 2790675 (VCV002790675.10), dbSNP rs1187292607, ClinGen allele CA424850722.